The following is an entry in ClinVar:

ClinVar aggregate classification (germline): Uncertain significance (1 of 4 stars; one submission).

Submission:

GeneDx
Classification: Uncertain significance. Last evaluated: 2024-11-25. Review status: criteria provided, single submitter. Criteria: GeneDx Variant Classification Process June 2021. Collection method: clinical testing. Allele origin: germline. Affected: yes.
Comment: Not observed at significant frequency in large population cohorts (gnomAD); In silico analysis supports that this missense variant has a deleterious effect on protein structure/function; Has not been previously published as pathogenic or benign to our knowledge

NM_001110556.2(FLNA):c.3835A>G (p.Ser1279Gly)

Gene: FLNA (filamin A; minus strand). Cytogenetic location: Xq28.
Variant type: single nucleotide variant.
Coding change: c.3835A>G on transcript NM_001110556.2 (MANE Select); coding-DNA position 3835, A replaced by G.
Protein change: p.Ser1279Gly; replaces serine 1279 with glycine.
Molecular consequence: missense variant.
Genome position (GRCh38, 1-based): chrX:154,359,876, T>C on the plus strand (A>G on the coding strand, the complement: FLNA is on the minus strand). VCF-style: chrX-154359876-T-C. GRCh37 (hg19) VCF-style: chrX-153588244-T-C.
Other names: c.3835A>G, p.Ser1279Gly (NM_001456.4); short protein forms S1279G.
Identifiers: ClinVar variation 3900202 (VCV003900202.1).